The following is an entry in ClinVar:

ClinVar aggregate classification (germline): Uncertain significance. Review status: criteria provided, single submitter (1 of 4 stars). 2 submissions from 2 submitters: Uncertain significance (1). 1 of the submissions does not count toward it. Last evaluated 2022-11-17.

Conditions:
DRD4-related disorder. Also called: DRD4-related condition.

Allele frequency attached by ClinVar (database versions not stated): 1000 Genomes Project 0.00020; gnomAD 0.00061; TOPMed 0.00062; ExAC 0.00122.
gnomAD v4.1: 1,095 of 1,419,880 alleles (0.077%); highest among the groups gnomAD compares: Non-Finnish European, 0.084%; 4 homozygotes.

Submissions (2):

Ambry Genetics
Classification: Uncertain significance. Last evaluated: 2022-11-17. Review status: criteria provided, single submitter. Criteria: Ambry Variant Classification Scheme 2023. Collection method: clinical testing. Allele origin: germline.

PreventionGenetics, part of Exact Sciences
Classification: Likely benign for DRD4-related condition. Last evaluated: 2020-07-14. Review status: no assertion criteria provided. Collection method: clinical testing. Allele origin: germline. Not counted in ClinVar's aggregate classification.
Comment: This variant is classified as likely benign based on ACMG/AMP sequence variant interpretation guidelines (Richards et al. 2015 PMID: 25741868, with internal and published modifications).

NM_000797.4(DRD4):c.718G>A (p.Gly240Ser)

Gene: DRD4 (dopamine receptor D4; plus strand). Cytogenetic location: 11p15.5.
Variant type: single nucleotide variant.
Coding change: c.718G>A on transcript NM_000797.4 (MANE Select); coding-DNA position 718, G replaced by A.
Protein change: p.Gly240Ser; replaces glycine 240 with serine.
Molecular consequence: missense variant.
Genome position (GRCh38, 1-based): chr11:639,967, G>A. VCF-style: chr11-639967-G-A. GRCh37 (hg19) VCF-style: chr11-639967-G-A.
Other names: short protein forms G240S.
Identifiers: ClinVar variation 2350970 (VCV002350970.4), dbSNP rs537247984, ClinGen allele CA5785805.